The following is an entry in ClinVar:

ClinVar aggregate classification (germline): Uncertain significance (1 of 4 stars; one submission).

Allele frequency attached by ClinVar (database versions not stated): gnomAD exomes below 0.00001.
gnomAD v4.1: 2 of 1,613,990 alleles (0.00012%); highest among the groups gnomAD compares: Non-Finnish European, 0.00017%; no homozygotes.

Submission:

GeneDx
Classification: Uncertain significance. Last evaluated: 2022-09-01. Review status: criteria provided, single submitter. Criteria: GeneDx Variant Classification Process June 2021. Collection method: clinical testing. Allele origin: germline. Affected: yes.
Comment: Not observed at significant frequency in large population cohorts (gnomAD); In silico analysis supports that this missense variant does not alter protein structure/function; Has not been previously published as pathogenic or benign to our knowledge

NM_001363711.2(DUOX2):c.4006G>C (p.Val1336Leu)

Gene: DUOX2 (dual oxidase 2; minus strand). Cytogenetic location: 15q21.1.
Variant type: single nucleotide variant.
Coding change: c.4006G>C on transcript NM_001363711.2 (MANE Select); coding-DNA position 4006, G replaced by C.
Protein change: p.Val1336Leu; replaces valine 1336 with leucine.
Molecular consequence: missense variant.
Genome position (GRCh38, 1-based): chr15:45,095,902, C>G on the plus strand (G>C on the coding strand, the complement: DUOX2 is on the minus strand). VCF-style: chr15-45095902-C-G. GRCh37 (hg19) VCF-style: chr15-45388100-C-G.
Other names: c.4006G>C, p.Val1336Leu (NM_014080.5); short protein forms V1336L.
Identifiers: ClinVar variation 2442471 (VCV002442471.1), dbSNP rs1431849053, ClinGen allele CA392253627.